The following is an entry in ClinVar:

NM_198859.4(PRICKLE2):c.*3178G>C

Genes: PRICKLE2 (prickle planar cell polarity protein 2; minus strand), PRICKLE2-AS1 (PRICKLE2 antisense RNA 1; plus strand). Cytogenetic location: 3p14.1.
Variant type: single nucleotide variant.
Coding change: c.*3178G>C on transcript NM_198859.4 (MANE Select); 3178 bases downstream of the stop codon, G replaced by C.
Molecular consequence: 3 prime UTR variant.
Genome position (GRCh38, 1-based): chr3:64,095,873, C>G on the plus strand (G>C on the coding strand, the complement: PRICKLE2 is on the minus strand). VCF-style: chr3-64095873-C-G. GRCh37 (hg19) VCF-style: chr3-64081549-C-G.
Other names: c.*3178G>C (NM_001370528.1).
Identifiers: ClinVar variation 346431 (VCV000346431.5), dbSNP rs528929996, ClinGen allele CA10619364.

ClinVar aggregate classification (germline): Likely benign (1 of 4 stars; one submission).

Conditions:
Progressive myoclonic epilepsy. Also called: Progressive myoclonus epilepsy; Myoclonus epilepsy; Familial progressive myoclonic epilepsy; Myoclonic Epilepsies, Progressive. Identifiers: Orphanet 308, Orphanet 98261, MedGen C0751778, MONDO:0020074.

Allele frequency attached by ClinVar (database versions not stated): TOPMed 0.00001; gnomAD 0.00002 and 0.00013; 1000 Genomes Project 30x 0.00047; 1000 Genomes Project 0.00060.

Submission:

Illumina Laboratory Services, Illumina
Classification: Likely benign for Progressive myoclonic epilepsy. Last evaluated: 2018-01-13. Review status: criteria provided, single submitter. Criteria: ICSL Variant Classification Criteria 13 December 2019. Collection method: clinical testing. Allele origin: germline.
Comment: This variant was observed in the ICSL laboratory as part of a predisposition screen in an ostensibly healthy population. It had not been previously curated by ICSL or reported in the Human Gene Mutation Database (HGMD: prior to June 1st, 2018), and was therefore a candidate for classification through an automated scoring system. Utilizing variant allele frequency, disease prevalence and penetrance estimates, and inheritance mode, an automated score was calculated to assess if this variant is too frequent to cause the disease. Based on the score and internal cut-off values, a variant classified as likely benign is not then subjected to further curation. The score for this variant resulted in a classification of likely benign for this disease.